The following is an entry in ClinVar:

NM_004100.5(EYA4):c.1828_1829delinsAA (p.Ala610Lys)

Genes: EYA4 (EYA transcriptional coactivator and phosphatase 4; plus strand), TARID (TCF21 antisense RNA inducing promoter demethylation; minus strand). Cytogenetic location: 6q23.2.
Variant type: Indel.
Coding change: c.1828_1829delinsAA on transcript NM_004100.5 (MANE Select); coding-DNA positions 1828 to 1829, GC replaced by AA.
Protein change: p.Ala610Lys; replaces alanine 610 with lysine.
Molecular consequence: missense variant. On other transcripts: intron variant (3).
Genome position (GRCh38, 1-based): chr6:133,525,243-133,525,244, GC replaced by AA. VCF-style: chr6-133525243-GC-AA. GRCh37 (hg19) VCF-style: chr6-133846381-GC-AA.
Other names: c.1846_1847delinsAA, p.Ala616Lys (NM_001301013.2); c.1684_1685delinsAA, p.Ala562Lys (NM_001370459.1); c.1759_1760delinsAA, p.Ala587Lys (NM_172103.4); c.1839+128_1839+129delinsAA (NM_172105.4); c.1770+128_1770+129delinsAA (NM_001370458.1); c.1677+128_1677+129delinsAA (NM_001301012.2); short protein forms A616K, A587K, A562K, A610K.
Identifiers: ClinVar variation 641768 (VCV000641768.7), dbSNP rs1583568153, ClinGen allele CA915944381.

ClinVar aggregate classification (germline): Uncertain significance (1 of 4 stars; one submission).

Conditions:
Dilated cardiomyopathy 1J (CMD1J). Also called: CARDIOMYOPATHY, DILATED, WITH SENSORINEURAL HEARING LOSS, AUTOSOMAL DOMINANT. Identifiers: Orphanet 217622, MedGen C1854368, MONDO:0011541, OMIM 605362.

Submission:

Labcorp Genetics (formerly Invitae), Labcorp
Classification: Uncertain significance for Dilated cardiomyopathy 1J. Last evaluated: 2024-01-22. Review status: criteria provided, single submitter. Criteria: Invitae Variant Classification Sherloc (09022015). Collection method: clinical testing. Allele origin: germline.
Comment: This sequence change replaces alanine, which is neutral and non-polar, with lysine, which is basic and polar, at codon 610 of the EYA4 protein (p.Ala610Lys). Information on the frequency of this variant in the gnomAD database is not available, as this variant may be reported differently in the database. This variant has not been reported in the literature in individuals affected with EYA4-related conditions. ClinVar contains an entry for this variant (Variation ID: 641768). An algorithm developed to predict the effect of missense changes on protein structure and function (PolyPhen-2) suggests that this variant is likely to be tolerated. In summary, the available evidence is currently insufficient to determine the role of this variant in disease. Therefore, it has been classified as a Variant of Uncertain Significance.